The following is an entry in ClinVar:

ClinVar aggregate classification (germline): Likely pathogenic (1 of 4 stars; one submission).

Conditions:
Autosomal recessive polycystic kidney disease (ARPKD). Also called: AR polycystic kidney disease. Identifiers: Orphanet 731, Orphanet 8378, MedGen C0085548, MeSH D017044, MONDO:0009889.

Submission:

Labcorp Genetics (formerly Invitae), Labcorp
Classification: Likely pathogenic for Autosomal recessive polycystic kidney disease. Last evaluated: 2022-10-28. Review status: criteria provided, single submitter. Criteria: Invitae Variant Classification Sherloc (09022015). Collection method: clinical testing. Allele origin: germline.
Comment: In summary, the currently available evidence indicates that the variant is pathogenic, but additional data are needed to prove that conclusively. Therefore, this variant has been classified as Likely Pathogenic. This variant disrupts the p.Asp3154 amino acid residue in PKHD1. Other variant(s) that disrupt this residue have been determined to be pathogenic (PMID: 19940839; Invitae). This suggests that this residue is clinically significant, and that variants that disrupt this residue are likely to be disease-causing. Advanced modeling of protein sequence and biophysical properties (such as structural, functional, and spatial information, amino acid conservation, physicochemical variation, residue mobility, and thermodynamic stability) performed at Invitae indicates that this missense variant is expected to disrupt PKHD1 protein function. ClinVar contains an entry for this variant (Variation ID: 1389017). This missense change has been observed in individual(s) with polycystic kidney disease (Invitae). This variant is not present in population databases (gnomAD no frequency). This sequence change replaces aspartic acid, which is acidic and polar, with asparagine, which is neutral and polar, at codon 3154 of the PKHD1 protein (p.Asp3154Asn).

Literature cited by the submitters: PubMed 19940839.

NM_138694.4(PKHD1):c.9460G>A (p.Asp3154Asn)

Gene: PKHD1 (PKHD1 ciliary IPT domain containing fibrocystin/polyductin; minus strand). Cytogenetic location: 6p12.3.
Variant type: single nucleotide variant.
Coding change: c.9460G>A on transcript NM_138694.4 (MANE Select); coding-DNA position 9460, G replaced by A.
Protein change: p.Asp3154Asn; replaces aspartic acid 3154 with asparagine.
Molecular consequence: missense variant.
Genome position (GRCh38, 1-based): chr6:51,748,156, C>T on the plus strand (G>A on the coding strand, the complement: PKHD1 is on the minus strand). VCF-style: chr6-51748156-C-T. GRCh37 (hg19) VCF-style: chr6-51612954-C-T.
Other names: c.9460G>A, p.Asp3154Asn (NM_170724.3); short protein forms D3154N.
Identifiers: ClinVar variation 1389017 (VCV001389017.8), dbSNP rs2150983772, ClinGen allele CA364421016.